The following is an entry in ClinVar:

ClinVar aggregate classification (germline): Benign/Likely benign. Review status: criteria provided, multiple submitters, no conflicts (2 of 4 stars). 2 submissions from 2 submitters: Benign (1); Likely benign (1). Last evaluated 2026-06-25.

Conditions:
Retinoblastoma (RB1). Also called: RETINOBLASTOMA, SOMATIC. Identifiers: Orphanet 790, MedGen C0035335, MeSH D012175, MONDO:0008380, OMIM 180200, HP:0009919. Disease mechanism: loss of function. Inheritance: Both sporadic and heritable forms are tested..
Hereditary cancer-predisposing syndrome. Also called: Neoplastic Syndromes, Hereditary; Tumor predisposition; Hereditary Cancer Syndrome; Hereditary neoplastic syndrome. Identifiers: Orphanet 140162, MedGen C0027672, MeSH D009386, MONDO:0015356.

Submissions (2):

Myriad Genetics, Inc.
Classification: Benign for Retinoblastoma. Last evaluated: 2026-06-25. Review status: criteria provided, single submitter. Criteria: Myriad Autosomal Dominant, Autosomal Recessive and X-Linked Classification Criteria (2023). Collection method: clinical testing. Allele origin: unknown.
Comment: This variant is considered benign. This variant is a silent/synonymous amino acid change and it is not expected to impact splicing.

Ambry Genetics
Classification: Likely benign for Hereditary cancer-predisposing syndrome. Last evaluated: 2025-02-15. Review status: criteria provided, single submitter. Criteria: Ambry Variant Classification Scheme 2023. Collection method: clinical testing. Allele origin: germline.

NM_000321.3(RB1):c.2229G>A (p.Leu743=)

Gene: RB1 (RB transcriptional corepressor 1; plus strand). Cytogenetic location: 13q14.2.
Variant type: single nucleotide variant.
Coding change: c.2229G>A on transcript NM_000321.3 (MANE Select); coding-DNA position 2229, G replaced by A.
Protein change: p.Leu743=; no amino-acid change (leucine 743 retained).
Molecular consequence: synonymous variant.
Genome position (GRCh38, 1-based): chr13:48,465,015, G>A. VCF-style: chr13-48465015-G-A. GRCh37 (hg19) VCF-style: chr13-49039151-G-A.
Other names: c.2229G>A, p.Leu743= (NM_001407165.1).
Identifiers: ClinVar variation 3787290 (VCV003787290.2).